The following is an entry in ClinVar:

NM_130837.3(OPA1):c.748G>A (p.Ala250Thr)

Genes: OPA1 (OPA1 mitochondrial dynamin like GTPase; plus strand), OPA1-AS1 (OPA1 antisense RNA 1; minus strand). Cytogenetic location: 3q29.
Variant type: single nucleotide variant.
Coding change: c.748G>A on transcript NM_130837.3 (MANE Select); coding-DNA position 748, G replaced by A.
Protein change: p.Ala250Thr; replaces alanine 250 with threonine.
Molecular consequence: missense variant. On other transcripts: intron variant (5).
Genome position (GRCh38, 1-based): chr3:193,626,161, G>A. VCF-style: chr3-193626161-G-A. GRCh37 (hg19) VCF-style: chr3-193343950-G-A.
Other names: c.214G>A, p.Ala72Thr (NM_001354663.2); c.586G>A, p.Ala196Thr (NM_130833.3); c.640G>A, p.Ala214Thr (NM_130835.3); c.694G>A, p.Ala232Thr (NM_130836.3); c.253-5451G>A (NM_001354664.2); c.679-5451G>A (NM_130834.3); c.625-5451G>A (NM_015560.3); c.571-5451G>A (NM_130832.3); and 2 more; short protein forms A250T, A196T, A72T, A232T, A214T.
Identifiers: ClinVar variation 429348 (VCV000429348.15), dbSNP rs143918255, ClinGen allele CA2759132.
Genomic context (GRCh38, chr3:193,626,161, plus strand): 5'-GGTGAGCTCATTCTCTTACAACAACAAATTCAAGAGCATGAAGAGGAAGCGCGCAGAGCC[G>A]CTGGCCAATATAGCACGAGCTATGCCCAACAGAAGCGCAAGGTGATGGATGGTTTAAGGG-3'
Protein context (NP_570850.2, residues 240-260): QEHEEEARRA[Ala250Thr]GQYSTSYAQQ

ClinVar aggregate classification (germline): Benign/Likely benign. Review status: criteria provided, multiple submitters, no conflicts (2 of 4 stars). 4 submissions from 4 submitters: Benign (1); Likely benign (3). Last evaluated 2026-01-16.

Conditions:
OPA1-related disorder. Also called: OPA1-related condition; OPA1-related disorders.

Allele frequency attached by ClinVar (database versions not stated): gnomAD exomes 0.00007 and 0.00025; ExAC 0.00027; gnomAD 0.00079 and 0.00085; TOPMed 0.00084; ESP Exome Variant Server 0.00123; 1000 Genomes Project 30x 0.00156; 1000 Genomes Project 0.00180.
gnomAD v4.1: 228 of 1,614,008 alleles (0.014%); highest among the groups gnomAD compares: African/African-American, 0.25%; 1 homozygote.

Submissions (4):

Labcorp Genetics (formerly Invitae), Labcorp
Classification: Benign. Last evaluated: 2026-01-16. Review status: criteria provided, single submitter. Criteria: Invitae Variant Classification Sherloc (09022015). Collection method: clinical testing. Allele origin: germline.

PreventionGenetics, part of Exact Sciences
Classification: Likely benign for OPA1-related condition. Last evaluated: 2025-12-18. Review status: criteria provided, single submitter. Criteria: ACMG Guidelines, 2015. Collection method: clinical testing. Allele origin: germline.
Comment: This variant is classified as likely benign based on ACMG/AMP sequence variant interpretation guidelines (Richards et al. 2015 PMID: 25741868, with internal and published modifications).

Blueprint Genetics
Classification: Likely benign. Last evaluated: 2024-11-25. Review status: criteria provided, single submitter. Criteria: ACMG Guidelines, 2015. Collection method: clinical testing. Allele origin: germline.

GeneDx
Classification: Likely benign. Last evaluated: 2021-03-15. Review status: criteria provided, single submitter. Criteria: GeneDx Variant Classification Process June 2021. Collection method: clinical testing. Allele origin: germline. Affected: yes.
Comment: In silico analysis, which includes splice predictors and evolutionary conservation, supports that this variant does not alter protein structure/function; Has not been previously published as pathogenic or benign to our knowledge